The following is an entry in ClinVar:

NM_018896.5(CACNA1G):c.1807A>G (p.Lys603Glu)

Gene: CACNA1G (calcium voltage-gated channel subunit alpha1 G; plus strand). Cytogenetic location: 17q21.33.
Variant type: single nucleotide variant.
Coding change: c.1807A>G on transcript NM_018896.5 (MANE Select); coding-DNA position 1807, A replaced by G.
Protein change: p.Lys603Glu; replaces lysine 603 with glutamic acid.
Molecular consequence: missense variant. On other transcripts: non-coding transcript variant (5).
Genome position (GRCh38, 1-based): chr17:50,576,209, A>G. VCF-style: chr17-50576209-A-G. GRCh37 (hg19) VCF-style: chr17-48653570-A-G.
Other names: c.1807A>G, p.Lys603Glu (NM_001256324.2, NM_001256325.2, NM_001256326.2 and 24 more transcripts); short protein forms K603E.
Identifiers: ClinVar variation 2584896 (VCV002584896.3), dbSNP rs551391397, ClinGen allele CA8652248.
Genomic context (GRCh38, chr17:50,576,209, plus strand): 5'-ACTGTGGGCAGCGGGAAGGTGTATCCCACCGTGCACACCAGCCCTCCACCGGAGACGCTG[A>G]AGGAGAAGGCACTAGTAGAGGTGGCTGCCAGCTCTGGGCCCCCAACCCTCACCAGCCTCA-3'
Protein context (NP_061496.2, residues 593-613): VHTSPPPETL[Lys603Glu]EKALVEVAAS

ClinVar aggregate classification (germline): Uncertain significance. Review status: criteria provided, multiple submitters, no conflicts (2 of 4 stars). 2 submissions from 2 submitters: Uncertain significance (2). Last evaluated 2023-11-16.

Conditions:
Spinocerebellar ataxia 42, early-onset, severe, with neurodevelopmental deficits. Identifiers: MedGen C4748120, MONDO:0060758, OMIM 618087.

Allele frequency attached by ClinVar (database versions not stated): 1000 Genomes Project 30x 0.00062; 1000 Genomes Project 0.00080; TOPMed 0.00001; gnomAD 0.00003; gnomAD exomes 0.00006; ExAC 0.00023.

Submissions (2):

Revvity Omics, Revvity
Classification: Uncertain significance. Last evaluated: 2023-11-16. Review status: criteria provided, single submitter. Criteria: ACMG Guidelines, 2015. Collection method: clinical testing. Allele origin: germline.

Neuberg Centre For Genomic Medicine, NCGM
Classification: Uncertain significance for Spinocerebellar ataxia 42, early-onset, severe, with neurodevelopmental deficits. Review status: criteria provided, single submitter. Criteria: ACMG Guidelines, 2015. Collection method: clinical testing. Allele origin: germline. Inheritance: Autosomal dominant inheritance. Affected: yes.
Comment: The missense variant c.1807A>G (p.Lys603Glu) in CACNA1G gene has not been reported previously as a pathogenic variant nor as a benign variant, to our knowledge. This variant is reported with the allele frequency of 0.01% in the gnomAD and 0.08% in the 1000 genome database. The amino acid Lysine at position 603 is changed to a Glutamic acid changing protein sequence and it might alter its composition and physico-chemical properties. The variant is predicted as conserved by GERP++ and PhyloP across 100 vertebrates. For these reasons, this variant has been classified as Uncertain Significance.